The following is an entry in ClinVar:

ClinVar aggregate classification (germline): Uncertain significance. Review status: criteria provided, multiple submitters, no conflicts (2 of 4 stars). 2 submissions from 2 submitters: Uncertain significance (2). Last evaluated 2025-08-18.

Conditions:
Ehlers-Danlos syndrome, classic type, 1 (EDSCL1). Also called: Ehlers-Danlos Syndrome, Classic Type, COL5A1-Related; EHLERS-DANLOS SYNDROME, GRAVIS TYPE; EHLERS-DANLOS SYNDROME, SEVERE CLASSIC TYPE; Ehlers-Danlos syndrome, type 1; EDS I. Identifiers: MedGen C0268335, MONDO:0019567, OMIM 130000.

Submissions (2):

Labcorp Genetics (formerly Invitae), Labcorp
Classification: Uncertain significance for Ehlers-Danlos syndrome, classic type, 1. Last evaluated: 2025-08-18. Review status: criteria provided, single submitter. Criteria: Invitae Variant Classification Sherloc (09022015). Collection method: clinical testing. Allele origin: germline.
Comment: This sequence change replaces arginine, which is basic and polar, with proline, which is neutral and non-polar, at codon 1062 of the COL5A1 protein (p.Arg1062Pro). This variant is not present in population databases (gnomAD no frequency). This variant has not been reported in the literature in individuals affected with COL5A1-related conditions. ClinVar contains an entry for this variant (Variation ID: 1359887). Invitae Evidence Modeling of protein sequence and biophysical properties (such as structural, functional, and spatial information, amino acid conservation, physicochemical variation, residue mobility, and thermodynamic stability) has been performed for this missense variant. However, the output from this modeling did not meet the statistical confidence thresholds required to predict the impact of this variant on COL5A1 protein function. In summary, the available evidence is currently insufficient to determine the role of this variant in disease. Therefore, it has been classified as a Variant of Uncertain Significance.

Dasa
Classification: Uncertain significance. Last evaluated: 2024-10-23. Review status: criteria provided, single submitter. Criteria: DASA Assertion Criteria. Collection method: clinical testing. Allele origin: germline.
Comment: NM_000093.5(COL5A1):c.3185G>C (p.Arg1062Pro) is a missense variant that results in the substitution of arginine with proline. This variant is absent from population databases. Computational prediction algorithms are consistent with a deleterious effect. The currently available literature and clinical evidence are not sufficient to establish a definitive association between this variant and the reported condition. Therefore, this variant is classified as a variant of uncertain significance.

NM_000093.5(COL5A1):c.3185G>C (p.Arg1062Pro)

Gene: COL5A1 (collagen type V alpha 1 chain; plus strand). Cytogenetic location: 9q34.3.
Variant type: single nucleotide variant.
Coding change: c.3185G>C on transcript NM_000093.5 (MANE Select); coding-DNA position 3185, G replaced by C.
Protein change: p.Arg1062Pro; replaces arginine 1062 with proline.
Molecular consequence: missense variant.
Genome position (GRCh38, 1-based): chr9:134,805,045, G>C. VCF-style: chr9-134805045-G-C. GRCh37 (hg19) VCF-style: chr9-137696891-G-C.
Other names: c.3185G>C, p.Arg1062Pro (NM_001278074.1); short protein forms R1062P.
Identifiers: ClinVar variation 1359887 (VCV001359887.10), dbSNP rs771807198, ClinGen allele CA375450569.